The following is an entry in ClinVar:

ClinVar aggregate classification (germline): Uncertain significance (1 of 4 stars; one submission).

Allele frequency attached by ClinVar (database versions not stated): TOPMed below 0.00001; gnomAD 0.00001; gnomAD exomes 0.00001; ExAC 0.00002.
gnomAD v4.1: 14 of 1,608,226 alleles (0.00087%); highest among the groups gnomAD compares: Admixed American, 0.0017%; no homozygotes.

Submission:

Labcorp Genetics (formerly Invitae), Labcorp
Classification: Uncertain significance. Last evaluated: 2021-08-28. Review status: criteria provided, single submitter. Criteria: Invitae Variant Classification Sherloc (09022015). Collection method: clinical testing. Allele origin: germline.
Comment: This sequence change replaces tyrosine with cysteine at codon 69 of the TNFSF11 protein (p.Tyr69Cys). The tyrosine residue is moderately conserved and there is a large physicochemical difference between tyrosine and cysteine. This variant is present in population databases (rs748143072, ExAC 0.003%). This variant has not been reported in the literature in individuals affected with TNFSF11-related conditions. Algorithms developed to predict the effect of missense changes on protein structure and function are either unavailable or do not agree on the potential impact of this missense change (SIFT: "Deleterious"; PolyPhen-2: "Benign"; Align-GVGD: "Class C0"). In summary, the available evidence is currently insufficient to determine the role of this variant in disease. Therefore, it has been classified as a Variant of Uncertain Significance.

NM_003701.4(TNFSF11):c.206A>G (p.Tyr69Cys)

Gene: TNFSF11 (TNF superfamily member 11; plus strand). Cytogenetic location: 13q14.11.
Variant type: single nucleotide variant.
Coding change: c.206A>G on transcript NM_003701.4 (MANE Select); coding-DNA position 206, A replaced by G.
Protein change: p.Tyr69Cys; replaces tyrosine 69 with cysteine.
Molecular consequence: missense variant. On other transcripts: intron variant (1).
Genome position (GRCh38, 1-based): chr13:42,574,509, A>G. VCF-style: chr13-42574509-A-G. GRCh37 (hg19) VCF-style: chr13-43148645-A-G.
Other names: c.-1+2771A>G (NM_033012.4); short protein forms Y69C.
Identifiers: ClinVar variation 1500500 (VCV001500500.5), dbSNP rs748143072, ClinGen allele CA6967143.